The following is an entry in ClinVar:

ClinVar aggregate classification (germline): Likely pathogenic (1 of 4 stars; one submission).

Conditions:
Cardiovascular phenotype. Identifiers: MedGen CN230736.

Submission:

Ambry Genetics
Classification: Likely pathogenic for Cardiovascular phenotype. Last evaluated: 2022-05-29. Review status: criteria provided, single submitter. Criteria: Ambry Variant Classification Scheme 2023. Collection method: clinical testing. Allele origin: germline.
Comment: The p.Q5541* variant (also known as c.16621C>T), located in coding exon 64 of the TTN gene, results from a C to T substitution at nucleotide position 16621. This changes the amino acid from a glutamine to a stop codon within coding exon 64. This exon is located in the I-band region of the N2-B isoform of the titin protein and is constitutively expressed in TTN transcripts (percent spliced in or PSI 100%). This variant is considered to be rare based on population cohorts in the Genome Aggregation Database (gnomAD). In addition, this alteration is expected to result in loss of function by premature protein truncation or nonsense-mediated mRNA decay. While truncating variants in TTN are present in 1-3% of the general population, truncating variants in the A-band are the most common cause of dilated cardiomyopathy (DCM) (Herman DS et al. N. Engl. J. Med., 2012 Feb;366:619-28; Roberts AM et al. Sci Transl Med, 2015 Jan;7:270ra6). TTN truncating variants encoded in constitutive exons (PSI >90%) have been found to be significantly associated with DCM regardless of their position in titin (Schafer S et al. Nat. Genet., 2017 01;49:46-53). As such, this alteration is classified as likely pathogenic.

NM_001267550.2(TTN):c.43816C>T (p.Gln14606Ter)

Gene: TTN (titin; minus strand). Cytogenetic location: 2q31.2.
Variant type: single nucleotide variant.
Coding change: c.43816C>T on transcript NM_001267550.2 (MANE Select); coding-DNA position 43816, C replaced by T.
Protein change: p.Gln14606Ter; replaces glutamine 14606 with a stop codon.
Molecular consequence: nonsense.
Genome position (GRCh38, 1-based): chr2:178,631,232, G>A on the plus strand (C>T on the coding strand, the complement: TTN is on the minus strand). VCF-style: chr2-178631232-G-A. GRCh37 (hg19) VCF-style: chr2-179495959-G-A.
Other names: c.38893C>T, p.Gln12965Ter (NM_001256850.1); c.16621C>T, p.Gln5541Ter (NM_003319.4); c.36112C>T, p.Gln12038Ter (NM_133378.4); c.16996C>T, p.Gln5666Ter (NM_133432.3); c.17197C>T, p.Gln5733Ter (NM_133437.4); short protein forms Q12038*, Q12965*, Q14606*, Q5541*, Q5733*, Q5666*.
Identifiers: ClinVar variation 1777501 (VCV001777501.2), dbSNP rs2471418730, ClinGen allele CA349647277.